The following continues an entry in ClinVar:

NM_000059.4(BRCA2):c.1670T>G (p.Leu557Ter)

Gene: BRCA2. ClinVar aggregate classification (germline): Pathogenic. Pathogenic (1).

Submissions 10 to 16 of 16:

ARUP Laboratories, Molecular Genetics and Genomics, ARUP Laboratories
Classification: Pathogenic. Last evaluated: 2018-04-20. Review status: criteria provided, single submitter. Criteria: ARUP Molecular Germline Variant Investigation Process. Collection method: clinical testing. Allele origin: germline. Not counted in ClinVar's aggregate classification.
Comment: The BRCA2 c.1670T>G; p.Leu557Ter variant (rs80358452), also known as 1898T>G for traditional nomenclature, is reported in the literature in association with hereditary breast and ovarian cancer syndrome (Sermijn 2004), and is reported as pathogenic by multiple laboratories in ClinVar (Variation ID: 51170). This variant is absent from the general population databases (1000 Genomes Project, Exome Variant Server, and Genome Aggregation Database), indicating it is not a common polymorphism. This variant induces an early termination codon and is predicted to result in a truncated protein or mRNA subject to nonsense-mediated decay. Based on available information, this variant is considered to be pathogenic. REFERENCES Sermijn E et al. The impact of proband mediated information dissemination in families with a BRCA1/2 gene mutation. J Med Genet. 2004 Mar;41(3):e23.

Consortium of Investigators of Modifiers of BRCA1/2 (CIMBA), c/o University of Cambridge
Classification: Pathogenic for Breast-ovarian cancer, familial, susceptibility to, 2. Last evaluated: 2015-10-02. Review status: criteria provided, single submitter. Criteria: CIMBA Mutation Classification guidelines May 2016. Collection method: clinical testing. Allele origin: germline. Not counted in ClinVar's aggregate classification.

Counsyl
Classification: Pathogenic for Breast-ovarian cancer, familial, susceptibility to, 2. Last evaluated: 2016-09-19. Review status: no assertion criteria provided. Collection method: clinical testing. Allele origin: unknown. Not counted in ClinVar's aggregate classification.

Research Molecular Genetics Laboratory, Women's College Hospital, University of Toronto
Classification: Pathogenic for Hereditary breast ovarian cancer syndrome. Last evaluated: 2014-01-31. Review status: no assertion criteria provided. Collection method: research. Allele origin: germline. Affected: yes. Study: The Canadian Open Genetics Repository (COGR). Not counted in ClinVar's aggregate classification.

Sharing Clinical Reports Project (SCRP)
Classification: Pathogenic for Breast-ovarian cancer, familial 2. Last evaluated: 2011-10-31. Review status: no assertion criteria provided. Collection method: clinical testing. Allele origin: germline. Not counted in ClinVar's aggregate classification.

Breast Cancer Information Core (BIC) (BRCA2)
Classification: Pathogenic for Breast-ovarian cancer, familial 2. Last evaluated: 2000-06-12. Review status: no assertion criteria provided. Collection method: clinical testing. Allele origin: germline. Affected: yes. Observed: 2 variant alleles. Not counted in ClinVar's aggregate classification.

Department of Pathology and Laboratory Medicine, Sinai Health System
Classification: Pathogenic for Breast-ovarian cancer, familial, susceptibility to, 2. Review status: no assertion criteria provided. Collection method: clinical testing. Allele origin: unknown. Affected: yes. Study: The Canadian Open Genetics Repository (COGR). Not counted in ClinVar's aggregate classification.
Comment: The BRCA2 p.Leu557* variant was identified in 5 of 42916 proband chromosomes (frequency: 0.0001) from individuals or families with breast or ovarian cancer (Rebbeck 2018, Sermijn 2004, Susswein 2015). The variant was also identified in dbSNP (ID: rs80358452) as "With Pathogenic allele", ClinVar (classified as pathogenic by Ambry Genetics, GeneDx and eight other submitters), COGR, LOVD 3.0 (8x as pathogenic), UMD-LSDB (1x as causal), BIC Database (2x with clinical importance), and in ARUP Laboratories ( definitely pathogenic), databases. In UMD the variant was identified with a co-occurring pathogenic BRCA1 variant (c.514delC (p.Gln172AsnfsX62)).The variant was not identified in Cosmic, MutDB, or Zhejiang University Database. The variant was not identified in the following control databases: the Exome Aggregation Consortium (August 8th 2016), or the Genome Aggregation Database (Feb 27, 2017). The p.Leu557*variant leads to a premature stop codon at position 557 which is predicted to lead to a truncated or absent protein and loss of function. Loss of function variants of the BRCA2 gene are an established mechanism of disease in BRCA2 associated cancers and is the type of variant expected to cause the disorder. In summary, based on the above information this variant meets our laboratoryâ€šÃ„Ã´s criteria to be classified as pathogenic.

Literature cited by the submitters: PubMed 14985394 (cited by 6 submitters); PubMed 17445839 (cited by 5 submitters); PubMed 26681312 (cited by 7 submitters); PubMed 32438681 (cited by 4 submitters); PubMed 20104584 (cited by Labcorp Genetics (formerly Invitae), Labcorp); PubMed 29446198 (cited by Ambry Genetics and Quest Diagnostics Nichols Institute San Juan Capistrano); PubMed 18403564 (cited by Quest Diagnostics Nichols Institute San Juan Capistrano); PubMed 36493725 (cited by Quest Diagnostics Nichols Institute San Juan Capistrano); PubMed 34654685 (cited by Quest Diagnostics Nichols Institute San Juan Capistrano); PubMed 32885271 (cited by Quest Diagnostics Nichols Institute San Juan Capistrano); PubMed 35886069 (cited by Quest Diagnostics Nichols Institute San Juan Capistrano); PubMed 36881271 (cited by Quest Diagnostics Nichols Institute San Juan Capistrano).